The following is an entry in ClinVar:

NM_001365276.2(TNXB):c.1424G>T (p.Arg475Leu)

Gene: TNXB (tenascin XB; minus strand). Cytogenetic location: 6p21.33.
Variant type: single nucleotide variant.
Coding change: c.1424G>T on transcript NM_001365276.2 (MANE Select); coding-DNA position 1424, G replaced by T.
Protein change: p.Arg475Leu; replaces arginine 475 with leucine.
Molecular consequence: missense variant.
Genome position (GRCh38, 1-based): chr6:32,096,429, C>A on the plus strand (G>T on the coding strand, the complement: TNXB is on the minus strand). VCF-style: chr6-32096429-C-A. GRCh37 (hg19) VCF-style: chr6-32064206-C-A.
Other names: c.1424G>T, p.Arg475Leu (NM_019105.8); short protein forms R475L.
Identifiers: ClinVar variation 1702310 (VCV001702310.5), dbSNP rs1401291892, ClinGen allele CA363481624.
Genomic context (GRCh38, chr6:32,096,429, plus strand): 5'-CGCGTGCCGCAGTCCCGGCCTGTGTACCCCGGCCAACACATGCAGCGGCCACTCTCACAG[C>A]GGCCCCGGCCACGACAGTCCCCAGGACAGCTGCGCACACCGCAGTCCTCGCCGCTGTAGC-3'
Protein context (NP_001352205.1, residues 465-485): SCPGDCRGRG[Arg475Leu]CESGRCMCWP

ClinVar aggregate classification (germline): Uncertain significance. Review status: criteria provided, multiple submitters, no conflicts (2 of 4 stars). 2 submissions from 2 submitters: Uncertain significance (2). Last evaluated 2023-02-05.

Conditions:
Cardiovascular phenotype. Identifiers: MedGen CN230736.
Ehlers-Danlos syndrome (EDS). Identifiers: Orphanet 98249, MedGen C0013720, MONDO:0020066.

Allele frequency attached by ClinVar (database versions not stated): gnomAD 0.00001; TOPMed 0.00001.
gnomAD v4.1: 4 of 1,593,006 alleles (0.00025%); highest among the groups gnomAD compares: African/African-American, 0.0054%; no homozygotes.

Submissions (2):

Ambry Genetics
Classification: Uncertain significance for Cardiovascular phenotype. Last evaluated: 2023-02-05. Review status: criteria provided, single submitter. Criteria: Ambry Variant Classification Scheme 2023. Collection method: clinical testing. Allele origin: germline.
Comment: The p.R475L variant (also known as c.1424G>T), located in coding exon 2 of the TNXB gene, results from a G to T substitution at nucleotide position 1424. The arginine at codon 475 is replaced by leucine, an amino acid with dissimilar properties. This amino acid position is conserved. In addition, this alteration is predicted to be tolerated by in silico analysis. Since supporting evidence is limited at this time, the clinical significance of this alteration remains unclear.

Genome Diagnostics Laboratory, The Hospital for Sick Children
Classification: Uncertain significance for Ehlers-Danlos syndrome. Last evaluated: 2022-04-18. Review status: criteria provided, single submitter. Criteria: ACMG Guidelines, 2015. Collection method: clinical testing. Allele origin: germline.